The following is an entry in ClinVar:

NM_000092.5(COL4A4):c.1027A>T (p.Lys343Ter)

Gene: COL4A4 (collagen type IV alpha 4 chain; minus strand). Cytogenetic location: 2q36.3.
Variant type: single nucleotide variant.
Coding change: c.1027A>T on transcript NM_000092.5 (MANE Select); coding-DNA position 1027, A replaced by T.
Protein change: p.Lys343Ter; replaces lysine 343 with a stop codon.
Molecular consequence: nonsense.
Genome position (GRCh38, 1-based): chr2:227,101,506, T>A on the plus strand (A>T on the coding strand, the complement: COL4A4 is on the minus strand). VCF-style: chr2-227101506-T-A. GRCh37 (hg19) VCF-style: chr2-227966222-T-A.
Other names: short protein forms K343*.
Identifiers: ClinVar variation 984170 (VCV000984170.3), dbSNP rs2060519888, ClinGen allele CA350855726.

ClinVar aggregate classification (germline): Likely pathogenic (1 of 4 stars; one submission).

Conditions:
Autosomal recessive Alport syndrome (ATS2). Also called: ALPORT SYNDROME 2, AUTOSOMAL RECESSIVE; Alport syndrome type 2; COL4A4 Alport Syndrome and Thin Basement Membrane Nephropathy; COL4A3-Related Nephropathy. Identifiers: Orphanet 63, Orphanet 88919, MedGen C4746745, MONDO:0008762, OMIM 203780.

Submission:

Myriad Genetics, Inc.
Classification: Likely pathogenic for Autosomal recessive Alport syndrome. Last evaluated: 2020-01-05. Review status: criteria provided, single submitter. Criteria: Myriad Women's Health Autosomal Recessive and X-Linked Classification Criteria (2019). Collection method: clinical testing. Allele origin: unknown.
Comment: NM_000092.4(COL4A4):c.1027A>T(K343*) is expected to be pathogenic in the context of COL4A4-related Alport syndrome. This variant is predicted to lead to an abnormal or absent protein product due to the creation of a premature termination codon in COL4A4, a gene where loss-of-function variants are known to be pathogenic. Please note: this variant was assessed in the context of healthy population screening.